The following is an entry in ClinVar:

NM_000232.5(SGCB):c.244-3C>A

Gene: SGCB (sarcoglycan beta; minus strand). Cytogenetic location: 4q12.
Variant type: single nucleotide variant.
Coding change: c.244-3C>A on transcript NM_000232.5 (MANE Select); 3 bases into the intron before coding-DNA position 244, C replaced by A.
Molecular consequence: intron variant.
Genome position (GRCh38, 1-based): chr4:52,029,866, G>T on the plus strand (C>A on the coding strand, the complement: SGCB is on the minus strand). VCF-style: chr4-52029866-G-T. GRCh37 (hg19) VCF-style: chr4-52896032-G-T.
Identifiers: ClinVar variation 1369801 (VCV001369801.6), dbSNP rs2109372117, ClinGen allele CA2573137898.

ClinVar aggregate classification (germline): Uncertain significance (1 of 4 stars; one submission).

Conditions:
Autosomal recessive limb-girdle muscular dystrophy type 2E (LGMDR4). Also called: MUSCULAR DYSTROPHY, LIMB-GIRDLE, AUTOSOMAL RECESSIVE 4. Identifiers: Orphanet 119, MedGen C1858593, MONDO:0011423, OMIM 604286. Disease mechanism: Affects gamma-sarcoglycan and also disrupts the integrity of the entire sarcoglycan complex..

Submission:

Labcorp Genetics (formerly Invitae), Labcorp
Classification: Uncertain significance for Autosomal recessive limb-girdle muscular dystrophy type 2E. Last evaluated: 2022-07-19. Review status: criteria provided, single submitter. Criteria: Invitae Variant Classification Sherloc (09022015). Collection method: clinical testing. Allele origin: germline.
Comment: In summary, the available evidence is currently insufficient to determine the role of this variant in disease. Therefore, it has been classified as a Variant of Uncertain Significance. Variants that disrupt the consensus splice site are a relatively common cause of aberrant splicing (PMID: 17576681, 9536098). Algorithms developed to predict the effect of sequence changes on RNA splicing suggest that this variant may create or strengthen a splice site. ClinVar contains an entry for this variant (Variation ID: 1369801). This variant has not been reported in the literature in individuals affected with SGCB-related conditions. This variant is not present in population databases (gnomAD no frequency). This sequence change falls in intron 2 of the SGCB gene. It does not directly change the encoded amino acid sequence of the SGCB protein. It affects a nucleotide within the consensus splice site.

Literature cited by the submitters: PubMed 17576681; PubMed 9536098.